The following is an entry in ClinVar:

NM_001040142.2(SCN2A):c.4297G>T (p.Asp1433Tyr)

Gene: SCN2A (sodium voltage-gated channel alpha subunit 2; plus strand). Cytogenetic location: 2q24.3.
Variant type: single nucleotide variant.
Coding change: c.4297G>T on transcript NM_001040142.2 (MANE Select); coding-DNA position 4297, G replaced by T.
Protein change: p.Asp1433Tyr; replaces aspartic acid 1433 with tyrosine.
Molecular consequence: missense variant.
Genome position (GRCh38, 1-based): chr2:165,377,639, G>T. VCF-style: chr2-165377639-G-T. GRCh37 (hg19) VCF-style: chr2-166234149-G-T.
Other names: c.4297G>T, p.Asp1433Tyr (NM_001040143.2, NM_001371246.1, NM_001371247.1 and 1 more transcripts); short protein forms D1433Y.
Identifiers: ClinVar variation 1690670 (VCV001690670.2), dbSNP rs2105378514, ClinGen allele CA349033165.

ClinVar aggregate classification (germline): Uncertain significance (1 of 4 stars; one submission).

Submission:

Laboratorio de Genetica e Diagnostico Molecular, Hospital Israelita Albert Einstein
Classification: Uncertain significance. Last evaluated: 2019-08-12. Review status: criteria provided, single submitter. Criteria: ACMG Guidelines, 2015. Collection method: clinical testing. Allele origin: germline. Affected: yes.
Comment: ACMG classification criteria: PM2, PP2, PP3